The following is an entry in ClinVar:

ClinVar aggregate classification (germline): Likely pathogenic. Review status: criteria provided, multiple submitters, no conflicts (2 of 4 stars). 5 submissions from 5 submitters: Likely pathogenic (4). 1 of the submissions does not count toward it. Last evaluated 2026-09-01.

Conditions:
Hereditary cancer-predisposing syndrome. Also called: Neoplastic Syndromes, Hereditary; Hereditary neoplastic syndrome; Hereditary Cancer Syndrome; Tumor predisposition. Identifiers: Orphanet 140162, MedGen C0027672, MeSH D009386, MONDO:0015356.
Familial adenomatous polyposis 2. Also called: MUTYH-associated polyposis; MUTYH-related attenuated familial adenomatous polyposis; Adenomas, multiple colorectal; COLORECTAL ADENOMATOUS POLYPOSIS, AUTOSOMAL RECESSIVE; ADENOMAS, MULTIPLE COLORECTAL, AUTOSOMAL RECESSIVE; MYH-associated polyposis. Identifiers: Orphanet 220460, Orphanet 247798, MedGen C3272841, MONDO:0012041, OMIM 608456.

Submissions (5):

Myriad Genetics, Inc.
Classification: Likely pathogenic for Familial adenomatous polyposis 2. Last evaluated: 2026-09-01. Review status: criteria provided, single submitter. Criteria: Myriad Autosomal Dominant, Autosomal Recessive and X-Linked Classification Criteria (2023). Collection method: clinical testing. Allele origin: unknown.
Comment: This variant is considered likely pathogenic. This variant occurs within a consensus splice junction and is predicted to result in abnormal mRNA splicing of either an out-of-frame exon or an in-frame exon necessary for protein stability and/or normal function.

Ambry Genetics
Classification: Likely pathogenic for Hereditary cancer-predisposing syndrome. Last evaluated: 2025-10-23. Review status: criteria provided, single submitter. Criteria: Ambry Variant Classification Scheme 2023. Collection method: clinical testing. Allele origin: germline.
Comment: The c.1477-1G>A intronic variant results from a G to A substitution one nucleotide upstream from coding exon 15 of the MUTYH gene. Alterations that disrupt the canonical splice site are expected to result in aberrant splicing. In silico splice site analysis predicts that this alteration will weaken the native splice acceptor site; however, direct evidence is insufficient at this time (Ambry internal data). The resulting transcript is predicted to be in-frame and is not expected to trigger nonsense-mediated mRNA decay; however, direct evidence is unavailable. The exact functional effect of the missing amino acids at the 3' terminus of the MUTYH gene, which impacts the last 14 AA of the protein, is unknown; however, the impacted region is critical for protein function (Ambry internal data; Wang L et al. J. Biol. Chem., 2015 Jul;290:17096-105). This variant was not reported in population-based cohorts in the Genome Aggregation Database (gnomAD). This nucleotide position is highly conserved in available vertebrate species. Based on the majority of available evidence to date, this variant is likely to be pathogenic.

Labcorp Genetics (formerly Invitae), Labcorp
Classification: Likely pathogenic for Familial adenomatous polyposis 2. Last evaluated: 2025-07-21. Review status: criteria provided, single submitter. Criteria: Invitae Variant Classification Sherloc (09022015). Collection method: clinical testing. Allele origin: germline.
Comment: This sequence change affects an acceptor splice site in intron 14 of the MUTYH gene. It is expected to disrupt RNA splicing. Variants that disrupt the donor or acceptor splice site typically lead to a loss of protein function (PMID: 16199547), and loss-of-function variants in MUTYH are known to be pathogenic (PMID: 18534194, 20663686). This variant is not present in population databases (gnomAD no frequency). This variant has not been reported in the literature in individuals affected with MUTYH-related conditions. ClinVar contains an entry for this variant (Variation ID: 371681). Algorithms developed to predict the effect of sequence changes on RNA splicing suggest that this variant may disrupt the consensus splice site. In summary, the currently available evidence indicates that the variant is pathogenic, but additional data are needed to prove that conclusively. Therefore, this variant has been classified as Likely Pathogenic.

Baylor Genetics
Classification: Likely pathogenic for Familial adenomatous polyposis 2. Last evaluated: 2024-03-07. Review status: criteria provided, single submitter. Criteria: ACMG Guidelines, 2015. Collection method: clinical testing. Allele origin: unknown.

Counsyl
Classification: Likely pathogenic for Familial adenomatous polyposis 2. Last evaluated: 2016-08-15. Review status: no assertion criteria provided. Collection method: clinical testing. Allele origin: unknown. Not counted in ClinVar's aggregate classification.

Literature cited by the submitters: PubMed 25995449 (cited by Ambry Genetics); PubMed 16199547 (cited by Labcorp Genetics (formerly Invitae), Labcorp); PubMed 18534194 (cited by Labcorp Genetics (formerly Invitae), Labcorp); PubMed 20663686 (cited by Labcorp Genetics (formerly Invitae), Labcorp).

NM_001048174.2(MUTYH):c.1393-1G>A

Gene: MUTYH (mutY DNA glycosylase; minus strand). Cytogenetic location: 1p34.1.
Variant type: single nucleotide variant.
Coding change: c.1393-1G>A on transcript NM_001048174.2 (MANE Select); the canonical splice acceptor site of the intron before coding-DNA position 1393, G replaced by A.
Molecular consequence: splice acceptor variant.
Genome position (GRCh38, 1-based): chr1:45,330,558, C>T on the plus strand (G>A on the coding strand, the complement: MUTYH is on the minus strand). VCF-style: chr1-45330558-C-T. GRCh37 (hg19) VCF-style: chr1-45796230-C-T.
Other names: c.1393-1G>A (NM_001407072.1, NM_001407073.1, NM_001048171.2 and 6 more transcripts); c.1048-1G>A (NM_001350651.2, NM_001350650.2, NM_001407082.1); c.1117-1G>A (NM_001293192.2, NM_001293196.2, NM_001407091.1); c.1438-1G>A (NM_001293190.2); c.1426-1G>A (NM_001407069.1, NM_001407077.1, NM_001293191.2); c.1468-1G>A (NM_012222.3); c.1477-1G>A (NM_001128425.2); c.1396-1G>A (NM_001407071.1, NM_001048172.2, NM_001407078.1 and 1 more transcripts); and 5 more.
Identifiers: ClinVar variation 371681 (VCV000371681.16), dbSNP rs1057517459, ClinGen allele CA16040736.